The following is an entry in ClinVar:

NM_000051.4(ATM):c.1236-20T>C

Gene: ATM (ATM serine/threonine kinase; plus strand). Cytogenetic location: 11q22.3.
Variant type: single nucleotide variant.
Coding change: c.1236-20T>C on transcript NM_000051.4 (MANE Select); 20 bases into the intron before coding-DNA position 1236, T replaced by C.
Molecular consequence: intron variant.
Genome position (GRCh38, 1-based): chr11:108,250,681, T>C. VCF-style: chr11-108250681-T-C. GRCh37 (hg19) VCF-style: chr11-108121408-T-C.
Other names: c.1236-20T>C (NM_001351834.2).
Identifiers: ClinVar variation 922711 (VCV000922711.3), dbSNP rs2080084457, ClinGen allele CA1139662150.
Genomic context (GRCh38, chr11:108,250,681, plus strand): 5'-AGTACCATGTCTATATATTTCCTTTTAGTTTGTTAATGTGATGGAATAGTTTTCAAATTA[T>C]CCTTTTTTTTTTTTTTTAGGCTACAGATTGCAACCCAATTAATATCAAAGTATCCTGCAA-3'

ClinVar aggregate classification (germline): Likely benign. Review status: criteria provided, multiple submitters, no conflicts (2 of 4 stars). 2 submissions from 2 submitters: Likely benign (2). Last evaluated 2024-04-26.

Conditions:
Familial cancer of breast. Also called: BREAST CANCER, FAMILIAL; hereditary breast carcinoma; Hereditary breast cancer. Identifiers: Orphanet 227535, MedGen C0346153, MONDO:0016419, OMIM 114480. Disease mechanism: loss of function.
Hereditary cancer-predisposing syndrome. Also called: Neoplastic Syndromes, Hereditary; Tumor predisposition; Hereditary Cancer Syndrome; Hereditary neoplastic syndrome. Identifiers: Orphanet 140162, MedGen C0027672, MeSH D009386, MONDO:0015356.

Submissions (2):

Myriad Genetics, Inc.
Classification: Likely benign for Familial cancer of breast. Last evaluated: 2024-04-26. Review status: criteria provided, single submitter. Criteria: Myriad Autosomal Dominant, Autosomal Recessive and X-Linked Classification Criteria (2023). Collection method: clinical testing. Allele origin: unknown.
Comment: This variant is considered likely benign. This variant is intronic and is not expected to impact mRNA splicing.

Color Diagnostics, LLC DBA Color Health
Classification: Likely benign for Hereditary cancer-predisposing syndrome. Last evaluated: 2019-10-07. Review status: criteria provided, single submitter. Criteria: ACMG Guidelines, 2015. Collection method: clinical testing. Allele origin: germline.